The following is an entry in ClinVar:

NM_001287.6(CLCN7):c.542C>T (p.Thr181Met)

Gene: CLCN7 (Cl-/H+ antiporter 7; minus strand). Cytogenetic location: 16p13.3.
Variant type: single nucleotide variant.
Coding change: c.542C>T on transcript NM_001287.6 (MANE Select); coding-DNA position 542, C replaced by T.
Protein change: p.Thr181Met; replaces threonine 181 with methionine.
Molecular consequence: missense variant.
Genome position (GRCh38, 1-based): chr16:1,460,470, G>A on the plus strand (C>T on the coding strand, the complement: CLCN7 is on the minus strand). VCF-style: chr16-1460470-G-A. GRCh37 (hg19) VCF-style: chr16-1510471-G-A.
Other names: c.470C>T, p.Thr157Met (NM_001114331.3); c.542C>T (NM_001287.4); short protein forms T157M, T181M.
Identifiers: ClinVar variation 1396802 (VCV001396802.9), dbSNP rs373756735, ClinGen allele CA7810735.

ClinVar aggregate classification (germline): Conflicting classifications of pathogenicity. Review status: criteria provided, conflicting classifications (1 of 4 stars). 3 submissions from 3 submitters: Uncertain significance (2); Likely benign (1). Last evaluated 2025-10-27.

Conditions:
Inborn genetic diseases. Identifiers: MedGen C0950123, MeSH D030342.

Allele frequency attached by ClinVar (database versions not stated): gnomAD 0.00002; ExAC 0.00006; gnomAD exomes 0.00006 and 0.00010; TOPMed 0.00006; ESP Exome Variant Server 0.00008.

Submissions (3):

Labcorp Genetics (formerly Invitae), Labcorp
Classification: Uncertain significance. Last evaluated: 2025-10-27. Review status: criteria provided, single submitter. Criteria: Invitae Variant Classification Sherloc (09022015). Collection method: clinical testing. Allele origin: germline.
Comment: This sequence change replaces threonine, which is neutral and polar, with methionine, which is neutral and non-polar, at codon 181 of the CLCN7 protein (p.Thr181Met). This variant is present in population databases (rs373756735, gnomAD 0.01%). This variant has not been reported in the literature in individuals affected with CLCN7-related conditions. ClinVar contains an entry for this variant (Variation ID: 1396802). Invitae Evidence Modeling of protein sequence and biophysical properties (such as structural, functional, and spatial information, amino acid conservation, physicochemical variation, residue mobility, and thermodynamic stability) indicates that this missense variant is not expected to disrupt CLCN7 protein function with a negative predictive value of 95%. In summary, the available evidence is currently insufficient to determine the role of this variant in disease. Therefore, it has been classified as a Variant of Uncertain Significance.

Ambry Genetics
Classification: Uncertain significance for Inborn genetic diseases. Last evaluated: 2025-10-14. Review status: criteria provided, single submitter. Criteria: Ambry Variant Classification Scheme 2023. Collection method: clinical testing. Allele origin: germline.

Blueprint Genetics
Classification: Likely benign. Last evaluated: 2024-04-23. Review status: criteria provided, single submitter. Criteria: ACMG Guidelines, 2015. Collection method: clinical testing. Allele origin: germline.